The following is an entry in ClinVar:

ClinVar aggregate classification (germline): Uncertain significance. Review status: criteria provided, multiple submitters, no conflicts (2 of 4 stars). 2 submissions from 2 submitters: Uncertain significance (2). Last evaluated 2025-11-23.

Allele frequency attached by ClinVar (database versions not stated): ExAC 0.00019; TOPMed 0.00025; gnomAD exomes 0.00026; ESP Exome Variant Server 0.00038; gnomAD 0.00023.
gnomAD v4.1: 416 of 1,614,080 alleles (0.026%); highest among the groups gnomAD compares: Non-Finnish European, 0.033%; no homozygotes.

Submissions (2):

Labcorp Genetics (formerly Invitae), Labcorp
Classification: Uncertain significance. Last evaluated: 2025-11-23. Review status: criteria provided, single submitter. Criteria: Invitae Variant Classification Sherloc (09022015). Collection method: clinical testing. Allele origin: germline.
Comment: This sequence change replaces valine, which is neutral and non-polar, with isoleucine, which is neutral and non-polar, at codon 10 of the SLC41A1 protein (p.Val10Ile). This variant is present in population databases (rs142051990, gnomAD 0.03%). This variant has not been reported in the literature in individuals affected with SLC41A1-related conditions. ClinVar contains an entry for this variant (Variation ID: 2280978). An algorithm developed to predict the effect of missense changes on protein structure and function outputs the following: PolyPhen-2: "Benign". The isoleucine amino acid residue is found in multiple mammalian species, which suggests that this missense change does not adversely affect protein function. In summary, the available evidence is currently insufficient to determine the role of this variant in disease. Therefore, it has been classified as a Variant of Uncertain Significance.

Ambry Genetics
Classification: Uncertain significance. Last evaluated: 2024-08-19. Review status: criteria provided, single submitter. Criteria: Ambry Variant Classification Scheme 2023. Collection method: clinical testing. Allele origin: germline.

NM_173854.6(SLC41A1):c.28G>A (p.Val10Ile)

Gene: SLC41A1 (solute carrier family 41 member 1; minus strand). Cytogenetic location: 1q32.1.
Variant type: single nucleotide variant.
Coding change: c.28G>A on transcript NM_173854.6 (MANE Select); coding-DNA position 28, G replaced by A.
Protein change: p.Val10Ile; replaces valine 10 with isoleucine.
Molecular consequence: missense variant.
Genome position (GRCh38, 1-based): chr1:205,810,414, C>T on the plus strand (G>A on the coding strand, the complement: SLC41A1 is on the minus strand). VCF-style: chr1-205810414-C-T. GRCh37 (hg19) VCF-style: chr1-205779542-C-T.
Other names: short protein forms V10I.
Identifiers: ClinVar variation 2280978 (VCV002280978.6), dbSNP rs142051990, ClinGen allele CA1357496.
Genomic context (GRCh38, chr1:205,810,414, plus strand): 5'-TCCCTGGGCCATCTGAAGAGCAGGGAGAGGCAGAAGGGCCAGTCCCGTTCAGTTGGTGGA[C>T]GTCCTTCGGCTCTGGCTTAGAGGACATGACAGGCACGGAGGAGGGGAAGGGAGAACTTTC-3'
Protein context (NP_776253.3, residues 1-20): MSSKPEPKD[Val10Ile]HQLNGTGPSA